The following is an entry in ClinVar:

ClinVar aggregate classification (germline): Uncertain significance (1 of 4 stars; one submission).

Submission:

Labcorp Genetics (formerly Invitae), Labcorp
Classification: Uncertain significance. Last evaluated: 2024-09-10. Review status: criteria provided, single submitter. Criteria: Invitae Variant Classification Sherloc (09022015). Collection method: clinical testing. Allele origin: germline.
Comment: This sequence change creates a premature translational stop signal (p.Glu250*) in the FBLN5 gene. It is expected to result in an absent or disrupted protein product. However, the current clinical and genetic evidence is not sufficient to establish whether loss-of-function variants in FBLN5 cause disease. This variant is not present in population databases (gnomAD no frequency). This variant has not been reported in the literature in individuals affected with FBLN5-related conditions. Algorithms developed to predict the effect of sequence changes on RNA splicing suggest that this variant may disrupt the consensus splice site. In summary, the available evidence is currently insufficient to determine the role of this variant in disease. Therefore, it has been classified as a Variant of Uncertain Significance.

NM_006329.4(FBLN5):c.748G>T (p.Glu250Ter)

Gene: FBLN5 (fibulin 5; minus strand). Cytogenetic location: 14q32.12.
Variant type: single nucleotide variant.
Coding change: c.748G>T on transcript NM_006329.4 (MANE Select); coding-DNA position 748, G replaced by T.
Protein change: p.Glu250Ter; replaces glutamic acid 250 with a stop codon.
Molecular consequence: nonsense.
Genome position (GRCh38, 1-based): chr14:91,883,068, C>A on the plus strand (G>T on the coding strand, the complement: FBLN5 is on the minus strand). VCF-style: chr14-91883068-C-A. GRCh37 (hg19) VCF-style: chr14-92349412-C-A.
Other names: c.871G>T, p.Glu291Ter (NM_001384158.1); c.799G>T, p.Glu267Ter (NM_001384159.1); c.748G>T, p.Glu250Ter (NM_001384160.1); c.580G>T, p.Glu194Ter (NM_001384161.1, NM_001384162.1); short protein forms E267*, E194*, E291*, E250*.
Identifiers: ClinVar variation 3730495 (VCV003730495.2).